The following is an entry in ClinVar:

ClinVar aggregate classification (germline): Uncertain significance (1 of 4 stars; one submission).

Allele frequency attached by ClinVar (database versions not stated): gnomAD exomes below 0.00001.
gnomAD v4.1: 2 of 1,568,244 alleles (0.00013%); highest among the groups gnomAD compares: African/African-American, 0.0014%; no homozygotes.

Submission:

Labcorp Genetics (formerly Invitae), Labcorp
Classification: Uncertain significance. Last evaluated: 2022-12-18. Review status: criteria provided, single submitter. Criteria: Invitae Variant Classification Sherloc (09022015). Collection method: clinical testing. Allele origin: germline.
Comment: In summary, the available evidence is currently insufficient to determine the role of this variant in disease. Therefore, it has been classified as a Variant of Uncertain Significance. This variant is not present in population databases (gnomAD no frequency). This sequence change replaces valine, which is neutral and non-polar, with alanine, which is neutral and non-polar, at codon 343 of the IKZF1 protein (p.Val343Ala). This variant has not been reported in the literature in individuals affected with IKZF1-related conditions. Algorithms developed to predict the effect of missense changes on protein structure and function output the following: SIFT: "Not Available"; PolyPhen-2: "Benign"; Align-GVGD: "Not Available". The alanine amino acid residue is found in multiple mammalian species, which suggests that this missense change does not adversely affect protein function.

NM_006060.6(IKZF1):c.1028T>C (p.Val343Ala)

Gene: IKZF1 (IKAROS family zinc finger 1; plus strand). Cytogenetic location: 7p12.2.
Variant type: single nucleotide variant.
Coding change: c.1028T>C on transcript NM_006060.6 (MANE Select); coding-DNA position 1028, T replaced by C.
Protein change: p.Val343Ala; replaces valine 343 with alanine.
Molecular consequence: missense variant.
Genome position (GRCh38, 1-based): chr7:50,400,095, T>C. VCF-style: chr7-50400095-T-C. GRCh37 (hg19) VCF-style: chr7-50467793-T-C.
Other names: c.902T>C, p.Val301Ala (NM_001220765.3, NM_001291837.2); c.737T>C, p.Val246Ala (NM_001220767.2); c.767T>C, p.Val256Ala (NM_001220768.2, NM_001291838.2); c.611T>C, p.Val204Ala (NM_001220770.2); c.599T>C, p.Val200Ala (NM_001220771.2, NM_001291841.1); c.641T>C, p.Val214Ala (NM_001291839.2); c.338T>C, p.Val113Ala (NM_001291840.1); c.569T>C, p.Val190Ala (NM_001291842.1); and 3 more; short protein forms V148A, V158A, V190A, V200A, V256A, V301A, V363A, V113A.
Identifiers: ClinVar variation 2108624 (VCV002108624.4), dbSNP rs2153518080, ClinGen allele CA367524269.